The following is an entry in ClinVar:

NM_001171.6(ABCC6):c.1879G>A (p.Asp627Asn)

Gene: ABCC6 (ATP binding cassette subfamily C member 6; minus strand). Cytogenetic location: 16p13.11.
Variant type: single nucleotide variant.
Coding change: c.1879G>A on transcript NM_001171.6 (MANE Select); coding-DNA position 1879, G replaced by A.
Protein change: p.Asp627Asn; replaces aspartic acid 627 with asparagine.
Molecular consequence: missense variant. On other transcripts: non-coding transcript variant (1).
Genome position (GRCh38, 1-based): chr16:16,185,023, C>T on the plus strand (G>A on the coding strand, the complement: ABCC6 is on the minus strand). VCF-style: chr16-16185023-C-T. GRCh37 (hg19) VCF-style: chr16-16278880-C-T.
Other names: c.1537G>A, p.Asp513Asn (NM_001351800.1); short protein forms D513N, D627N.
Identifiers: ClinVar variation 1471447 (VCV001471447.4), dbSNP rs1466190573, ClinGen allele CA394889005.
Genomic context (GRCh38, chr16:16,185,023, plus strand): 5'-GGAGGCAGGGAGGGCTTTCCTGGGACCAGGCGAAGGTGGCACTGTGTATGGTGATGCAAT[C>T]CTTCCCGGCAGCTGCAGGGCACAAGAGGCCATTTACAGGAGACCCCTGACCTGGCCGGCC-3'
Protein context (NP_001162.5, residues 617-637): SSSSGSAAGK[Asp627Asn]CITIHSATFA

ClinVar aggregate classification (germline): Uncertain significance (1 of 4 stars; one submission).

Allele frequency attached by ClinVar (database versions not stated): gnomAD exomes below 0.00001; TOPMed 0.00001.
gnomAD v4.1: 8 of 1,613,702 alleles (0.0005%); highest among the groups gnomAD compares: Non-Finnish European, 0.00068%; no homozygotes.

Submission:

Labcorp Genetics (formerly Invitae), Labcorp
Classification: Uncertain significance. Last evaluated: 2022-03-19. Review status: criteria provided, single submitter. Criteria: Invitae Variant Classification Sherloc (09022015). Collection method: clinical testing. Allele origin: germline.
Comment: In summary, the available evidence is currently insufficient to determine the role of this variant in disease. Therefore, it has been classified as a Variant of Uncertain Significance. Advanced modeling of protein sequence and biophysical properties (such as structural, functional, and spatial information, amino acid conservation, physicochemical variation, residue mobility, and thermodynamic stability) performed at Invitae indicates that this missense variant is not expected to disrupt ABCC6 protein function. This variant has not been reported in the literature in individuals affected with ABCC6-related conditions. This variant is present in population databases (no rsID available, gnomAD 0.0009%). This sequence change replaces aspartic acid, which is acidic and polar, with asparagine, which is neutral and polar, at codon 627 of the ABCC6 protein (p.Asp627Asn).